The following is an entry in ClinVar:

ClinVar aggregate classification (germline): Uncertain significance (1 of 4 stars; one submission).

Conditions:
Rubinstein-Taybi syndrome due to EP300 haploinsufficiency. Also called: EP300-Related Rubinstein-Taybi Syndrome; RUBINSTEIN-TAYBI SYNDROME 2. Identifiers: Orphanet 353284, Orphanet 783, MedGen C3150941, MONDO:0013364, OMIM 613684.

Submission:

Labcorp Genetics (formerly Invitae), Labcorp
Classification: Uncertain significance for Rubinstein-Taybi syndrome due to EP300 haploinsufficiency. Last evaluated: 2022-09-09. Review status: criteria provided, single submitter. Criteria: Invitae Variant Classification Sherloc (09022015). Collection method: clinical testing. Allele origin: germline.
Comment: In summary, the available evidence is currently insufficient to determine the role of this variant in disease. Therefore, it has been classified as a Variant of Uncertain Significance. Advanced modeling of protein sequence and biophysical properties (such as structural, functional, and spatial information, amino acid conservation, physicochemical variation, residue mobility, and thermodynamic stability) performed at Invitae indicates that this missense variant is not expected to disrupt EP300 protein function. This variant has not been reported in the literature in individuals affected with EP300-related conditions. This variant is not present in population databases (gnomAD no frequency). This sequence change replaces threonine, which is neutral and polar, with proline, which is neutral and non-polar, at codon 1854 of the EP300 protein (p.Thr1854Pro).

NM_001429.4(EP300):c.5560A>C (p.Thr1854Pro)

Gene: EP300 (EP300 lysine acetyltransferase; plus strand). Cytogenetic location: 22q13.2.
Variant type: single nucleotide variant.
Coding change: c.5560A>C on transcript NM_001429.4 (MANE Select); coding-DNA position 5560, A replaced by C.
Protein change: p.Thr1854Pro; replaces threonine 1854 with proline.
Molecular consequence: missense variant.
Genome position (GRCh38, 1-based): chr22:41,177,271, A>C. VCF-style: chr22-41177271-A-C. GRCh37 (hg19) VCF-style: chr22-41573275-A-C.
Other names: c.5482A>C, p.Thr1828Pro (NM_001362843.2); short protein forms T1828P, T1854P.
Identifiers: ClinVar variation 2029665 (VCV002029665.4), dbSNP rs2059206124, ClinGen allele CA411709241.